The following is an entry in ClinVar:

NM_001173464.2(KIF21A):c.196A>G (p.Ile66Val)

Gene: KIF21A (kinesin family member 21A; minus strand). Cytogenetic location: 12q12.
Variant type: single nucleotide variant.
Coding change: c.196A>G on transcript NM_001173464.2 (MANE Select); coding-DNA position 196, A replaced by G.
Protein change: p.Ile66Val; replaces isoleucine 66 with valine.
Molecular consequence: missense variant.
Genome position (GRCh38, 1-based): chr12:39,370,110, T>C on the plus strand (A>G on the coding strand, the complement: KIF21A is on the minus strand). VCF-style: chr12-39370110-T-C. GRCh37 (hg19) VCF-style: chr12-39763912-T-C.
Other names: c.196A>G, p.Ile66Val (NM_001173463.2, NM_001173465.2, NM_001378439.1 and 3 more transcripts); short protein forms I66V.
Identifiers: ClinVar variation 2429495 (VCV002429495.1), dbSNP rs2502445548, ClinGen allele CA384388843.

ClinVar aggregate classification (germline): Uncertain significance (1 of 4 stars; one submission).

Submission:

GeneDx
Classification: Uncertain significance. Last evaluated: 2022-08-10. Review status: criteria provided, single submitter. Criteria: GeneDx Variant Classification Process June 2021. Collection method: clinical testing. Allele origin: germline. Affected: yes.
Comment: Not observed at significant frequency in large population cohorts (gnomAD); In silico analysis supports that this missense variant does not alter protein structure/function; Has not been previously published as pathogenic or benign to our knowledge